The following is an entry in ClinVar:

NC_000001.11:g.(?_193122201)_(193250712_?)del

Genes: B3GALT2 (beta-1,3-galactosyltransferase 2; minus strand), CDC73 (cell division cycle 73; plus strand). Cytogenetic location: 1q31.2.
Variant type: Deletion.
Identifiers: ClinVar variation 830490 (VCV000830490.2).

ClinVar aggregate classification (germline): Pathogenic (1 of 4 stars; one submission).

Conditions:
Parathyroid carcinoma (PRTC). Also called: Parathyroid gland carcinoma; CDC73-Related Parathyroid Carcinoma. Identifiers: Orphanet 143, MedGen C0687150, MONDO:0012004, OMIM 608266, HP:0006780.

Submission:

Labcorp Genetics (formerly Invitae), Labcorp
Classification: Pathogenic for Parathyroid carcinoma. Last evaluated: 2022-08-24. Review status: criteria provided, single submitter. Criteria: Invitae Variant Classification Sherloc (09022015). Collection method: clinical testing. Allele origin: germline.
Comment: A gross deletion of the genomic region encompassing the full coding sequence of the CDC73 gene has been identified. Loss-of-function variants in CDC73 are known to be pathogenic (PMID: 12434154). The boundaries of this event are unknown as they extend beyond the assayed region for this gene and therefore may encompass additional genes. A similar copy number variant has been observed in individual(s) with hyperparathyroidism (PMID: 25444225, 29040582). For these reasons, this variant has been classified as Pathogenic.

Literature cited by the submitters: PubMed 12434154; PubMed 25444225; PubMed 29040582.